The following is an entry in ClinVar:

NM_000038.6(APC):c.1886dup (p.Leu629fs)

Gene: APC (APC regulator of Wnt signaling pathway; plus strand). Cytogenetic location: 5q22.2.
Variant type: Duplication.
Coding change: c.1886dup on transcript NM_000038.6 (MANE Select); coding-DNA position 1886, one base duplicated (T; older notation c.1886dupT).
Protein change: p.Leu629fs; shifts the reading frame from leucine 629.
Molecular consequence: frameshift variant.
Genome position (GRCh38, 1-based): chr5:112,835,093, T duplicated; the last of 3 consecutive T bases (chr5:112,835,091-112,835,093); duplicating any one gives the same sequence. VCF-style (leftmost placement, unchanged base first): chr5-112835090-C-CT. GRCh37 (hg19) VCF-style: chr5-112170787-C-CT.
Other names: c.1802dup, p.Leu601fs (NM_001354899.2); c.1763dup, p.Leu588fs (NM_001354900.2); c.1709dup, p.Leu570fs (NM_001354901.2); c.1613dup, p.Leu538fs (NM_001354902.2); c.1583dup, p.Leu528fs (NM_001354903.2); c.1508dup, p.Leu503fs (NM_001354904.2); c.1406dup, p.Leu469fs (NM_001354905.2); c.1037dup, p.Leu346fs (NM_001354906.2); and 5 more; short protein forms L503fs, L538fs, L604fs, L611fs, L528fs, L588fs, L647fs, L469fs.
Identifiers: ClinVar variation 216839 (VCV000216839.12), dbSNP rs863224817, ClinGen allele CA336012.

ClinVar aggregate classification (germline): Pathogenic. Review status: criteria provided, multiple submitters, no conflicts (2 of 4 stars). 4 submissions from 3 submitters: Pathogenic (3). 1 of the submissions does not count toward it. Last evaluated 2023-05-03.

Conditions:
Hereditary cancer-predisposing syndrome. Also called: Hereditary Cancer Syndrome; Hereditary neoplastic syndrome; Neoplastic Syndromes, Hereditary; Tumor predisposition. Identifiers: Orphanet 140162, MedGen C0027672, MeSH D009386, MONDO:0015356.
Familial adenomatous polyposis 1 (FAP1). Also called: FAMILIAL ADENOMATOUS POLYPOSIS 1, ATTENUATED; POLYPOSIS, ADENOMATOUS INTESTINAL. Identifiers: MedGen C2713442, MONDO:0021056, OMIM 175100. Disease mechanism: loss of function.

Submissions (4):

Myriad Genetics, Inc.
Classification: Pathogenic for Familial adenomatous polyposis 1. Last evaluated: 2023-05-03. Review status: criteria provided, single submitter. Criteria: Myriad Autosomal Dominant, Autosomal Recessive and X-Linked Classification Criteria (2023). Collection method: clinical testing. Allele origin: unknown.
Comment: This variant is considered pathogenic. This variant creates a frameshift predicted to result in premature protein truncation.

Labcorp Genetics (formerly Invitae), Labcorp
Classification: Pathogenic for Familial adenomatous polyposis 1. Last evaluated: 2023-03-07. Review status: criteria provided, single submitter. Criteria: Invitae Variant Classification Sherloc (09022015). Collection method: clinical testing. Allele origin: germline.
Comment: For these reasons, this variant has been classified as Pathogenic. ClinVar contains an entry for this variant (Variation ID: 216839). This premature translational stop signal has been observed in individual(s) with familial adenomatous polyposis (PMID: 1324223, 20223039, 20685668, 24599579). This variant is not present in population databases (gnomAD no frequency). This sequence change creates a premature translational stop signal (p.Leu629Phefs*5) in the APC gene. It is expected to result in an absent or disrupted protein product. Loss-of-function variants in APC are known to be pathogenic (PMID: 17963004, 20685668).

Ambry Genetics
Classification: Pathogenic for Hereditary cancer-predisposing syndrome. Last evaluated: 2019-09-10. Review status: criteria provided, single submitter. Criteria: Ambry Variant Classification Scheme 2023. Collection method: clinical testing. Allele origin: germline.
Comment: The c.1886dupT pathogenic mutation, located in coding exon 14 of the APC gene, results from a duplication of T at nucleotide position 1886, causing a translational frameshift with a predicted alternate stop codon (p.L629Ffs*5). This alteration was also identified in 2/934 French patients with FAP (Lagarde A et al. J. Med. Genet., 2010 Oct;47:721-2). In addition to the clinical data presented in the literature, this alteration is expected to result in loss of function by premature protein truncation or nonsense-mediated mRNA decay. As such, this alteration is interpreted as a disease-causing mutation.

Labcorp Genetics (formerly Invitae), Labcorp
Classification: Pathogenic for Familial adenomatous polyposis 1. Last evaluated: 2015-04-29. Review status: flagged submission. Criteria: Invitae Variant Classification Sherloc (09022015). Collection method: clinical testing. Allele origin: germline. Not counted in ClinVar's aggregate classification.
Comment: This sequence change inserts 1 nucleotide in exon 15 of the APC mRNA (c.1886dupT), causing a frameshift at codon 629. This creates a premature translational stop signal (p.Leu629Phefs*5) and is expected to result in an absent or disrupted protein product. Truncating variants in APC are known to be pathogenic. This particular truncation was reported in individuals affected with familial adenomatous polyposis (PMID: 20223039, 20685668), and has been observed in affected patients in the Universal Mutation Database (PMID: 24599579). For these reasons, this variant has been classified as Pathogenic.
ClinVar note: Reason: This record appears to be redundant with a more recent record from the same submitter.
ClinVar note: Notes: SCV000255230 appears to be redundant with SCV002238486.

Literature cited by the submitters: PubMed 1324223 (cited by Labcorp Genetics (formerly Invitae), Labcorp); PubMed 20223039 (cited by Labcorp Genetics (formerly Invitae), Labcorp and Ambry Genetics); PubMed 20685668 (cited by Labcorp Genetics (formerly Invitae), Labcorp and Ambry Genetics); PubMed 24599579 (cited by Labcorp Genetics (formerly Invitae), Labcorp); PubMed 17963004 (cited by Labcorp Genetics (formerly Invitae), Labcorp).